The following is an entry in ClinVar:

NM_002241.5(KCNJ10):c.184A>G (p.Met62Val)

Gene: KCNJ10 (potassium inwardly rectifying channel subfamily J member 10; minus strand). Cytogenetic location: 1q23.2.
Variant type: single nucleotide variant.
Coding change: c.184A>G on transcript NM_002241.5 (MANE Select); coding-DNA position 184, A replaced by G.
Protein change: p.Met62Val; replaces methionine 62 with valine.
Molecular consequence: missense variant.
Genome position (GRCh38, 1-based): chr1:160,042,349, T>C on the plus strand (A>G on the coding strand, the complement: KCNJ10 is on the minus strand). VCF-style: chr1-160042349-T-C. GRCh37 (hg19) VCF-style: chr1-160012139-T-C.
Other names: short protein forms M62V.
Identifiers: ClinVar variation 4698322 (VCV004698322.1).

ClinVar aggregate classification (germline): Uncertain significance (1 of 4 stars; one submission).

Conditions:
EAST syndrome (SESAMES). Also called: SEIZURES, SENSORINEURAL DEAFNESS, ATAXIA, IMPAIRED INTELLECTUAL DEVELOPMENT, AND ELECTROLYTE IMBALANCE. Identifiers: Orphanet 199343, MedGen C2748572, MONDO:0013005, OMIM 612780.

gnomAD v4.1: 1 of 1,613,058 alleles (0.000062%); highest among the groups gnomAD compares: Non-Finnish European, 0.000085%; no homozygotes.

Submission:

Labcorp Genetics (formerly Invitae), Labcorp
Classification: Uncertain significance for EAST syndrome. Last evaluated: 2025-11-09. Review status: criteria provided, single submitter. Criteria: Invitae Variant Classification Sherloc (09022015). Collection method: clinical testing. Allele origin: germline.
Comment: This sequence change replaces methionine, which is neutral and non-polar, with valine, which is neutral and non-polar, at codon 62 of the KCNJ10 protein (p.Met62Val). This variant is not present in population databases (gnomAD no frequency). This variant has not been reported in the literature in individuals affected with KCNJ10-related conditions. Invitae Evidence Modeling of protein sequence and biophysical properties (such as structural, functional, and spatial information, amino acid conservation, physicochemical variation, residue mobility, and thermodynamic stability) has been performed for this missense variant. However, the output from this modeling did not meet the statistical confidence thresholds required to predict the impact of this variant on KCNJ10 protein function. In summary, the available evidence is currently insufficient to determine the role of this variant in disease. Therefore, it has been classified as a Variant of Uncertain Significance.